The following is an entry in ClinVar:

ClinVar aggregate classification (germline): Likely benign. Review status: criteria provided, multiple submitters, no conflicts (2 of 4 stars). 3 submissions from 3 submitters: Likely benign (3). Last evaluated 2018-11-06.

Conditions:
Parkinson Disease, Dominant/Recessive.

Allele frequency attached by ClinVar (database versions not stated): 1000 Genomes Project 0.00060; 1000 Genomes Project 30x 0.00078; ExAC 0.00120; TOPMed 0.00141; gnomAD exomes 0.00145 and 0.00270; gnomAD 0.00149 and 0.00152; ESP Exome Variant Server 0.00177.
gnomAD v4.1: 4,161 of 1,613,808 alleles (0.26%); highest among the groups gnomAD compares: Non-Finnish European, 0.32%; 10 homozygotes.

Submissions (3):

Labcorp Genetics (formerly Invitae), Labcorp
Classification: Likely benign. Last evaluated: 2018-11-06. Review status: criteria provided, single submitter. Criteria: Invitae Variant Classification Sherloc (09022015). Collection method: clinical testing. Allele origin: germline.

Illumina Laboratory Services, Illumina
Classification: Likely benign for Parkinson Disease, Dominant/Recessive. Last evaluated: 2018-01-12. Review status: criteria provided, single submitter. Criteria: ICSL Variant Classification Criteria 13 December 2019. Collection method: clinical testing. Allele origin: germline.
Comment: This variant was observed in the ICSL laboratory as part of a predisposition screen in an ostensibly healthy population. It had not been previously curated by ICSL or reported in the Human Gene Mutation Database (HGMD: prior to June 1st, 2018), and was therefore a candidate for classification through an automated scoring system. Utilizing variant allele frequency, disease prevalence and penetrance estimates, and inheritance mode, an automated score was calculated to assess if this variant is too frequent to cause the disease. Based on the score and internal cut-off values, a variant classified as likely benign is not then subjected to further curation. The score for this variant resulted in a classification of likely benign for this disease.

Breakthrough Genomics
Classification: Likely benign. Review status: criteria provided, single submitter. Criteria: ACMG Guidelines, 2015. Collection method: not provided. Allele origin: germline. Inheritance: Unknown mechanism. Affected: yes.

NM_005460.4(SNCAIP):c.1510C>T (p.Leu504=)

Genes: SNCAIP (synuclein alpha interacting protein; plus strand), SNCAIP-AS3 (SNCAIP antisense RNA 3; minus strand). Cytogenetic location: 5q23.2.
Variant type: single nucleotide variant.
Coding change: c.1510C>T on transcript NM_005460.4 (MANE Select); coding-DNA position 1510, C replaced by T.
Protein change: p.Leu504=; no amino-acid change (leucine 504 retained).
Molecular consequence: synonymous variant. On other transcripts: non-coding transcript variant (2).
Genome position (GRCh38, 1-based): chr5:122,444,650, C>T. VCF-style: chr5-122444650-C-T. GRCh37 (hg19) VCF-style: chr5-121780345-C-T.
Other names: c.412C>T, p.Leu138= (NM_001242935.3, NM_001308107.2); c.1651C>T, p.Leu551= (NM_001308100.2); c.1330C>T, p.Leu444= (NM_001308105.1); c.406C>T, p.Leu136= (NM_001308106.1); c.592C>T, p.Leu198= (NM_001308108.1); c.298C>T, p.Leu100= (NM_001308109.2).
Identifiers: ClinVar variation 350495 (VCV000350495.9), dbSNP rs113042472, ClinGen allele CA3384919.